The following is an entry in ClinVar:

NM_001130009.3(GEN1):c.2146A>G (p.Thr716Ala)

Gene: GEN1 (GEN1 structure-specific endonuclease; plus strand). Cytogenetic location: 2p24.2.
Variant type: single nucleotide variant.
Coding change: c.2146A>G on transcript NM_001130009.3 (MANE Select); coding-DNA position 2146, A replaced by G.
Protein change: p.Thr716Ala; replaces threonine 716 with alanine.
Molecular consequence: missense variant.
Genome position (GRCh38, 1-based): chr2:17,781,358, A>G. VCF-style: chr2-17781358-A-G. GRCh37 (hg19) VCF-style: chr2-17962625-A-G.
Other names: c.2146A>G, p.Thr716Ala (NM_182625.5); short protein forms T716A.
Identifiers: ClinVar variation 4858011 (VCV004858011.1).

ClinVar aggregate classification (germline): Uncertain significance (1 of 4 stars; one submission).

gnomAD v4.1: 2 of 1,613,934 alleles (0.00012%); highest among the groups gnomAD compares: African/African-American, 0.0013%; no homozygotes.

Submission:

Ambry Genetics
Classification: Uncertain significance. Last evaluated: 2026-06-08. Review status: criteria provided, single submitter. Criteria: Ambry Variant Classification Scheme 2023. Collection method: clinical testing. Allele origin: germline.
Comment: The p.T716A variant (also known as c.2146A>G), located in coding exon 13 of the GEN1 gene, results from an A to G substitution at nucleotide position 2146. The threonine at codon 716 is replaced by alanine, an amino acid with similar properties. This amino acid position is conserved. In addition, this alteration is predicted to be tolerated by in silico analysis. Based on the available evidence, the clinical significance of this variant remains unclear.